The following is an entry in ClinVar:

NM_000170.3(GLDC):c.739A>T (p.Lys247Ter)

Gene: GLDC (glycine decarboxylase; minus strand). Cytogenetic location: 9p24.1.
Variant type: single nucleotide variant.
Coding change: c.739A>T on transcript NM_000170.3 (MANE Select); coding-DNA position 739, A replaced by T.
Protein change: p.Lys247Ter; replaces lysine 247 with a stop codon.
Molecular consequence: nonsense.
Genome position (GRCh38, 1-based): chr9:6,605,253, T>A on the plus strand (A>T on the coding strand, the complement: GLDC is on the minus strand). VCF-style: chr9-6605253-T-A. GRCh37 (hg19) VCF-style: chr9-6605253-T-A.
Other names: short protein forms K247*.
Identifiers: ClinVar variation 5012909 (VCV005012909.1).

ClinVar aggregate classification (germline): Pathogenic (1 of 4 stars; one submission).

Conditions:
Glycine encephalopathy 1 (GCE1). Identifiers: MedGen CN376801, MONDO:0958179, OMIM 605899.

Submission:

Myriad Genetics, Inc.
Classification: Pathogenic for Glycine encephalopathy 1. Last evaluated: 2024-04-09. Review status: criteria provided, single submitter. Criteria: Myriad Autosomal Dominant, Autosomal Recessive and X-Linked Classification Criteria (2023). Collection method: clinical testing. Allele origin: unknown.
Comment: NM_000170.2(GLDC):c.739A>T(K247*) is expected to be pathogenic in the context of glycine encephalopathy, GLDC-related. This variant is predicted to lead to an abnormal or absent protein product due to the creation of a premature termination codon in GLDC, a gene where loss-of-function variants are known to be pathogenic. Please note: this variant was assessed in the context of healthy population screening.